The following is an entry in ClinVar:

ClinVar aggregate classification (germline): Uncertain significance (1 of 4 stars; one submission).

Conditions:
CHARGE syndrome (CHARGE). Also called: Hittner Hirsch Kreh syndrome; CHARGE ASSOCIATION--COLOBOMA, HEART ANOMALY, CHOANAL ATRESIA, RETARDATION, GENITAL AND EAR ANOMALIES; Coloboma, heart anomaly, choanal atresia, retardation, genital and ear anomalies; CHARGE association; Hall-Hittner syndrome. Identifiers: Orphanet 138, MedGen C0265354, MONDO:0008965.

Submission:

Labcorp Genetics (formerly Invitae), Labcorp
Classification: Uncertain significance for CHARGE syndrome. Last evaluated: 2022-04-03. Review status: criteria provided, single submitter. Criteria: Invitae Variant Classification Sherloc (09022015). Collection method: clinical testing. Allele origin: germline.
Comment: In summary, the available evidence is currently insufficient to determine the role of this variant in disease. Therefore, it has been classified as a Variant of Uncertain Significance. Algorithms developed to predict the effect of missense changes on protein structure and function are either unavailable or do not agree on the potential impact of this missense change (SIFT: "Deleterious"; PolyPhen-2: "Probably Damaging"; Align-GVGD: "Class C0"). This variant has not been reported in the literature in individuals affected with CHD7-related conditions. This variant is not present in population databases (gnomAD no frequency). This sequence change replaces isoleucine, which is neutral and non-polar, with methionine, which is neutral and non-polar, at codon 1373 of the CHD7 protein (p.Ile1373Met).

NM_017780.4(CHD7):c.4119T>G (p.Ile1373Met)

Gene: CHD7 (chromodomain helicase DNA binding protein 7; plus strand). Cytogenetic location: 8q12.2.
Variant type: single nucleotide variant.
Coding change: c.4119T>G on transcript NM_017780.4 (MANE Select); coding-DNA position 4119, T replaced by G.
Protein change: p.Ile1373Met; replaces isoleucine 1373 with methionine.
Molecular consequence: missense variant. On other transcripts: intron variant (1).
Genome position (GRCh38, 1-based): chr8:60,836,946, T>G. VCF-style: chr8-60836946-T-G. GRCh37 (hg19) VCF-style: chr8-61749505-T-G.
Other names: c.1717-25283T>G (NM_001316690.1); short protein forms I1373M.
Identifiers: ClinVar variation 2121166 (VCV002121166.4), dbSNP rs2487904236, ClinGen allele CA371316864.